The following is an entry in ClinVar:

NM_002471.4(MYH6):c.4214_4215insAGCAGGC (p.Val1406fs)

Gene: MYH6 (myosin heavy chain 6; minus strand). Cytogenetic location: 14q11.2.
Variant type: Insertion.
Coding change: c.4214_4215insAGCAGGC on transcript NM_002471.4 (MANE Select); coding-DNA positions 4214 to 4215, AGCAGGC inserted.
Protein change: p.Val1406fs; shifts the reading frame from valine 1406.
Molecular consequence: frameshift variant.
Genome position: GRCh38 VCF-style: chr14-23388299-G-GGCCTGCT. GRCh37 (hg19) VCF-style: chr14-23857508-G-GGCCTGCT.
Other names: short protein forms V1406fs.
Identifiers: ClinVar variation 853022 (VCV000853022.7), dbSNP rs1891103132, ClinGen allele CA916081700.

ClinVar aggregate classification (germline): Uncertain significance (1 of 4 stars; one submission).

Conditions:
Hypertrophic cardiomyopathy 14. Identifiers: MedGen C2750467, MONDO:0013197, OMIM 613251.

Submission:

Labcorp Genetics (formerly Invitae), Labcorp
Classification: Uncertain significance for Hypertrophic cardiomyopathy 14. Last evaluated: 2019-11-26. Review status: criteria provided, single submitter. Criteria: Invitae Variant Classification Sherloc (09022015). Collection method: clinical testing. Allele origin: germline.
Comment: This sequence change creates a premature translational stop signal (p.Val1406Alafs*7) in the MYH6 gene. It is expected to result in an absent or disrupted protein product. In summary, the available evidence is currently insufficient to determine the role of this variant in disease. Therefore, it has been classified as a Variant of Uncertain Significance. The current clinical and genetic evidence is not sufficient to establish whether loss-of-function variants in MYH6 cause disease. This variant has not been reported in the literature in individuals with MYH6-related conditions. This variant is not present in population databases (ExAC no frequency).